The following is an entry in ClinVar:

ClinVar aggregate classification (germline): Uncertain significance (1 of 4 stars; one submission).

Conditions:
Epidermolysis bullosa simplex with nail dystrophy (EBS5D). Identifiers: MedGen C4225309, MONDO:0014661, OMIM 616487.
Epidermolysis bullosa simplex 5C, with pyloric atresia (EBS5C). Also called: PLEC-Related Epidermolysis Bullosa with Pyloric Atresia; Epidermolysis bullosa simplex with pyloric atresia; PLEC1-Related Epidermolysis Bullosa with Pyloric Atresia. Identifiers: Orphanet 158684, MedGen C2677349, MONDO:0012807, OMIM 612138.
Epidermolysis bullosa simplex 5B, with muscular dystrophy (EBS5B). Also called: Epidermolysis bullosa simplex with muscular dystrophy; EPIDERMOLYSIS BULLOSA SIMPLEX AND LIMB-GIRDLE MUSCULAR DYSTROPHY. Identifiers: Orphanet 257, MedGen C2931072, MONDO:0009181, OMIM 226670.
Epidermolysis bullosa simplex, Ogna type (EBS5A). Also called: Pidermolysis bullosa simplex 5A, Ogna type; EPIDERMOLYSIS BULLOSA SIMPLEX 5A, OGNA TYPE. Identifiers: Orphanet 79401, MedGen C0432317, MONDO:0007555, OMIM 131950.
Autosomal recessive limb-girdle muscular dystrophy type 2Q (LGMDR17). Also called: MUSCULAR DYSTROPHY, LIMB-GIRDLE, AUTOSOMAL RECESSIVE 17. Identifiers: Orphanet 254361, MedGen C3150989, MONDO:0013390, OMIM 613723.

Allele frequency attached by ClinVar (database versions not stated): TOPMed 0.00002.

Submission:

Labcorp Genetics (formerly Invitae), Labcorp
Classification: Uncertain significance for Autosomal recessive limb-girdle muscular dystrophy type 2Q; Epidermolysis bullosa simplex, Ogna type; Epidermolysis bullosa simplex with nail dystrophy; Epidermolysis bullosa simplex 5C, with pyloric atresia; Epidermolysis bullosa simplex 5B, with muscular dystrophy. Last evaluated: 2024-02-23. Review status: criteria provided, single submitter. Criteria: Invitae Variant Classification Sherloc (09022015). Collection method: clinical testing. Allele origin: germline.
Comment: This sequence change replaces glutamine, which is neutral and polar, with leucine, which is neutral and non-polar, at codon 3063 of the PLEC protein (p.Gln3063Leu). This variant is not present in population databases (gnomAD no frequency). This variant has not been reported in the literature in individuals affected with PLEC-related conditions. ClinVar contains an entry for this variant (Variation ID: 1061381). An algorithm developed to predict the effect of missense changes on protein structure and function (PolyPhen-2) suggests that this variant is likely to be disruptive. In summary, the available evidence is currently insufficient to determine the role of this variant in disease. Therefore, it has been classified as a Variant of Uncertain Significance.

NM_201384.3(PLEC):c.9107A>T (p.Gln3036Leu)

Gene: PLEC (plectin; minus strand). Cytogenetic location: 8q24.3.
Variant type: single nucleotide variant.
Coding change: c.9107A>T on transcript NM_201384.3 (MANE Select); coding-DNA position 9107, A replaced by T.
Protein change: p.Gln3036Leu; replaces glutamine 3036 with leucine.
Molecular consequence: missense variant.
Genome position (GRCh38, 1-based): chr8:143,920,714, T>A on the plus strand (A>T on the coding strand, the complement: PLEC is on the minus strand). VCF-style: chr8-143920714-T-A. GRCh37 (hg19) VCF-style: chr8-144994882-T-A.
Other names: c.9188A>T, p.Gln3063Leu (NM_000445.5); c.9065A>T, p.Gln3022Leu (NM_201378.4); c.9041A>T, p.Gln3014Leu (NM_201379.3); c.9518A>T, p.Gln3173Leu (NM_201380.4); c.9011A>T, p.Gln3004Leu (NM_201381.3); c.9107A>T, p.Gln3036Leu (NM_201382.4); c.9119A>T, p.Gln3040Leu (NM_201383.3); short protein forms Q3004L, Q3014L, Q3022L, Q3036L, Q3040L, Q3063L, Q3173L.
Identifiers: ClinVar variation 1061381 (VCV001061381.5), dbSNP rs1822324066, ClinGen allele CA372513831.
Genomic context (GRCh38, chr8:143,920,714, plus strand): 5'-GCCACGGCCATGTCGGATGGCAGCAGGTCTTTCTTCAGGGCATTGTAGATACTCAGCTTC[T>A]GCCCCGCCTCCTCCAGCCATACACCCGCGATGACGTTGGCACCCCGGAGAGCCCGCCGCA-3'
Protein context (NP_958786.1, residues 3026-3046): IAGVWLEEAG[Gln3036Leu]KLSIYNALKK